The following is an entry in ClinVar:

NM_006514.4(SCN10A):c.5540G>A (p.Arg1847Gln)

Gene: SCN10A (sodium voltage-gated channel alpha subunit 10; minus strand). Cytogenetic location: 3p22.2.
Variant type: single nucleotide variant.
Coding change: c.5540G>A on transcript NM_006514.4 (MANE Select); coding-DNA position 5540, G replaced by A.
Protein change: p.Arg1847Gln; replaces arginine 1847 with glutamine.
Molecular consequence: missense variant.
Genome position (GRCh38, 1-based): chr3:38,697,680, C>T on the plus strand (G>A on the coding strand, the complement: SCN10A is on the minus strand). VCF-style: chr3-38697680-C-T. GRCh37 (hg19) VCF-style: chr3-38739171-C-T.
Other names: p.Arg1847Gln; c.5537G>A, p.Arg1846Gln (NM_001293306.2); c.5246G>A, p.Arg1749Gln (NM_001293307.2); short protein forms R1847Q, R1749Q, R1846Q.
Identifiers: ClinVar variation 463268 (VCV000463268.18), dbSNP rs148537653, ClinGen allele CA2319657.

ClinVar aggregate classification (germline): Conflicting classifications of pathogenicity. Review status: criteria provided, conflicting classifications (1 of 4 stars). 5 submissions from 5 submitters: Uncertain significance (2); Likely benign (3). Last evaluated 2026-07-07.

Conditions:
Cardiovascular phenotype. Identifiers: MedGen CN230736.
SCN10A-related disorder. Also called: SCN10A-related condition.
Brugada syndrome. Also called: Sudden unexpected nocturnal death syndrome; Sudden unexplained nocturnal death syndrome; Sudden Unexplained Death Syndrome; Sudden Unexplained Nocturnal Death Syndrome (SUNDS). Identifiers: Orphanet 130, MedGen C1142166, MONDO:0015263.

Allele frequency attached by ClinVar (database versions not stated): ExAC 0.00007; gnomAD 0.00009; gnomAD exomes 0.00009 and 0.00012; TOPMed 0.00011.
gnomAD v4.1: 177 of 1,614,094 alleles (0.011%); highest among the groups gnomAD compares: Non-Finnish European, 0.013%; no homozygotes.

Submissions (5):

PreventionGenetics, part of Exact Sciences
Classification: Likely benign for SCN10A-related condition. Last evaluated: 2026-07-07. Review status: criteria provided, single submitter. Criteria: ACMG Guidelines, 2015. Collection method: clinical testing. Allele origin: germline.
Comment: This variant is classified as likely benign based on ACMG/AMP sequence variant interpretation guidelines (Richards et al. 2015 PMID: 25741868, with internal and published modifications).

Labcorp Genetics (formerly Invitae), Labcorp
Classification: Likely benign for Brugada syndrome. Last evaluated: 2025-12-29. Review status: criteria provided, single submitter. Criteria: Invitae Variant Classification Sherloc (09022015). Collection method: clinical testing. Allele origin: germline.

GeneDx
Classification: Uncertain significance. Last evaluated: 2025-08-07. Review status: criteria provided, single submitter. Criteria: GeneDx Variant Classification Process June 2021. Collection method: clinical testing. Allele origin: germline.
Comment: Identified in a patient with corneal neuralgia in published literature (PMID: 32766464); In silico analysis suggests that this missense variant does not alter protein structure/function; This variant is associated with the following publications: (PMID: 32766464)

Mayo Clinic Laboratories, Mayo Clinic
Classification: Uncertain significance. Last evaluated: 2025-04-07. Review status: criteria provided, single submitter. Criteria: ACMG Guidelines, 2015. Collection method: clinical testing. Allele origin: germline. Observed: 1 variant allele.

Ambry Genetics
Classification: Likely benign for Cardiovascular phenotype. Last evaluated: 2020-02-18. Review status: criteria provided, single submitter. Criteria: Ambry Variant Classification Scheme 2023. Collection method: clinical testing. Allele origin: germline.

Literature cited by the submitters: PubMed 32766464 (cited by Mayo Clinic Laboratories, Mayo Clinic).